The following is an entry in ClinVar:

NM_000081.4(LYST):c.192+2T>C

Gene: LYST (lysosomal trafficking regulator; minus strand). Cytogenetic location: 1q42.3.
Variant type: single nucleotide variant.
Coding change: c.192+2T>C on transcript NM_000081.4 (MANE Select); the canonical splice donor site of the intron after coding-DNA position 192, T replaced by C.
Molecular consequence: splice donor variant.
Genome position (GRCh38, 1-based): chr1:235,830,224, A>G on the plus strand (T>C on the coding strand, the complement: LYST is on the minus strand). VCF-style: chr1-235830224-A-G. GRCh37 (hg19) VCF-style: chr1-235993524-A-G.
Other names: c.192+2T>C (NM_001301365.1).
Identifiers: ClinVar variation 2824514 (VCV002824514.3), dbSNP rs1157219727, ClinGen allele CA344968405.

ClinVar aggregate classification (germline): Pathogenic (1 of 4 stars; one submission).

Conditions:
Chédiak-Higashi syndrome (CHS). Also called: Chediak-Higashi Syndrome. Identifiers: Orphanet 167, MedGen C0007965, MONDO:0008963, OMIM 214500.

Allele frequency attached by ClinVar (database versions not stated): TOPMed below 0.00001; gnomAD exomes 0.00001.
gnomAD v4.1: 5 of 1,600,460 alleles (0.00031%); highest among the groups gnomAD compares: Non-Finnish European, 0.00043%; no homozygotes.

Submission:

Labcorp Genetics (formerly Invitae), Labcorp
Classification: Pathogenic for Chédiak-Higashi syndrome. Last evaluated: 2023-07-03. Review status: criteria provided, single submitter. Criteria: Invitae Variant Classification Sherloc (09022015). Collection method: clinical testing. Allele origin: germline.
Comment: Disruption of this splice site has been observed in individual(s) with clinical features of Chediak-Higashi syndrome (Invitae). This variant is not present in population databases (gnomAD no frequency). This sequence change affects a donor splice site in intron 3 of the LYST gene. It is expected to disrupt RNA splicing. Variants that disrupt the donor or acceptor splice site typically lead to a loss of protein function (PMID: 16199547), and loss-of-function variants in LYST are known to be pathogenic (PMID: 9215679, 11857544). Algorithms developed to predict the effect of sequence changes on RNA splicing suggest that this variant may disrupt the consensus splice site. For these reasons, this variant has been classified as Pathogenic.

Literature cited by the submitters: PubMed 16199547; PubMed 9215679; PubMed 11857544.